The following is an entry in ClinVar:

ClinVar aggregate classification (germline): Benign. Review status: criteria provided, multiple submitters, no conflicts (2 of 4 stars). 11 submissions from 8 submitters: Benign (11). Last evaluated 2026-02-04.

Conditions:
Laryngo-onycho-cutaneous syndrome (JEB2C). Also called: SHABBIR SYNDROME; LOGIC SYNDROME; EPIDERMOLYSIS BULLOSA, JUNCTIONAL 2C, LARYNGOONYCHOCUTANEOUS. Identifiers: Orphanet 2407, MedGen C1328355, MONDO:0009513, OMIM 245660.
Junctional epidermolysis bullosa, non-Herlitz type. Also called: Epidermolysis bullosa, junctional, non-herlitz type, somatic mosaic revertant; EPIDERMOLYSIS BULLOSA JUNCTIONALIS, DISENTIS TYPE; EPIDERMOLYSIS BULLOSA JUNCTIONALIS, NON-HERLITZ TYPE; EPIDERMOLYSIS BULLOSA JUNCTIONALIS, PROGRESSIVE; EPIDERMOLYSIS BULLOSA JUNCTIONALIS, SEVERE NONLETHAL; COL17A1-Related Junctional Epidermolysis Bullosa. Identifiers: Orphanet 251393, Orphanet 79402, Orphanet 79405, Orphanet 89840, MedGen C0268374, MONDO:0009180, OMIM 226650.
Junctional epidermolysis bullosa gravis of Herlitz. Also called: EPIDERMOLYSIS BULLOSA JUNCTIONALIS, HERLITZ TYPE; EPIDERMOLYSIS BULLOSA, JUNCTIONAL, HERLITZ-PEARSON TYPE; JEB-HERLITZ TYPE; Herlitz-type junctional epidermolysis bullosa; Epidermolysis Bullosa Letalis; EPIDERMOLYSIS BULLOSA, JUNCTIONAL 1B, SEVERE. Identifiers: Orphanet 79404, MedGen C0079683, MONDO:0009182, OMIM 226700.

Allele frequency attached by ClinVar (database versions not stated): 1000 Genomes Project 0.35903; 1000 Genomes Project 30x 0.36024; TOPMed 0.49171; gnomAD 0.51182 and 0.51794; gnomAD exomes 0.53528 and 0.62516; ExAC 0.53773; ESP Exome Variant Server 0.54459.
gnomAD v4.1: 989,663 of 1,612,626 alleles (61%); highest among the groups gnomAD compares: Non-Finnish European, 68%; 319,876 homozygotes.

Submissions (11):

Labcorp Genetics (formerly Invitae), Labcorp
Classification: Benign. Last evaluated: 2026-02-04. Review status: criteria provided, single submitter. Criteria: Invitae Variant Classification Sherloc (09022015). Collection method: clinical testing. Allele origin: germline.

Blueprint Genetics
Classification: Benign. Last evaluated: 2024-11-28. Review status: criteria provided, single submitter. Criteria: ACMG Guidelines, 2015. Collection method: clinical testing. Allele origin: germline.

Genome-Nilou Lab
Classification: Benign for Junctional epidermolysis bullosa, non-Herlitz type. Last evaluated: 2021-07-10. Review status: criteria provided, single submitter. Criteria: ACMG Guidelines, 2015. Collection method: clinical testing. Allele origin: germline. Affected: no.

Genome-Nilou Lab
Classification: Benign for Junctional epidermolysis bullosa gravis of Herlitz. Last evaluated: 2021-07-10. Review status: criteria provided, single submitter. Criteria: ACMG Guidelines, 2015. Collection method: clinical testing. Allele origin: germline. Affected: no.

Genome-Nilou Lab
Classification: Benign for Laryngo-onycho-cutaneous syndrome. Last evaluated: 2021-07-10. Review status: criteria provided, single submitter. Criteria: ACMG Guidelines, 2015. Collection method: clinical testing. Allele origin: germline. Affected: no.

Illumina Laboratory Services, Illumina
Classification: Benign for Laryngo-onycho-cutaneous syndrome. Last evaluated: 2018-01-13. Review status: criteria provided, single submitter. Criteria: ICSL Variant Classification Criteria 13 December 2019. Collection method: clinical testing. Allele origin: germline.
Comment: This variant was observed in the ICSL laboratory as part of a predisposition screen in an ostensibly healthy population. It had not been previously curated by ICSL or reported in the Human Gene Mutation Database (HGMD: prior to June 1st, 2018), and was therefore a candidate for classification through an automated scoring system. Utilizing variant allele frequency, disease prevalence and penetrance estimates, and inheritance mode, an automated score was calculated to assess if this variant is too frequent to cause the disease. Based on the score and internal cut-off values, a variant classified as benign is not then subjected to further curation. The score for this variant resulted in a classification of benign for this disease.

Illumina Laboratory Services, Illumina
Classification: Benign for Junctional epidermolysis bullosa gravis of Herlitz. Last evaluated: 2018-01-13. Review status: criteria provided, single submitter. Criteria: ICSL Variant Classification Criteria 13 December 2019. Collection method: clinical testing. Allele origin: germline.
Comment: the same text as in the submission from Illumina Laboratory Services, Illumina above.

Laboratory for Molecular Medicine, Mass General Brigham Personalized Medicine
Classification: Benign. Last evaluated: 2016-03-29. Review status: criteria provided, single submitter. Criteria: LMM Criteria. Collection method: clinical testing. Allele origin: germline.
Comment: Variant identified in a genome or exome case(s) and assessed due to predicted null impact of the variant or pathogenic assertions in the literature or databases. Disclaimer: This variant has not undergone full assessment. The following are preliminary notes: Frequency

GeneDx
Classification: Benign. Last evaluated: 2015-03-03. Review status: criteria provided, single submitter. Criteria: GeneDx Variant Classification Process June 2021. Collection method: clinical testing. Allele origin: germline. Affected: yes.

Breakthrough Genomics
Classification: Benign. Review status: criteria provided, single submitter. Criteria: ACMG Guidelines, 2015. Collection method: not provided. Allele origin: germline. Inheritance: Autosomal recessive inheritance. Affected: yes.

PreventionGenetics, part of Exact Sciences
Classification: Benign. Review status: criteria provided, single submitter. Criteria: ACMG Guidelines, 2015. Collection method: clinical testing. Allele origin: germline.

NM_198129.4(LAMA3):c.9352-7G>A

Gene: LAMA3 (laminin subunit alpha 3; plus strand). Cytogenetic location: 18q11.2.
Variant type: single nucleotide variant.
Coding change: c.9352-7G>A on transcript NM_198129.4 (MANE Select); 7 bases into the intron before coding-DNA position 9352, G replaced by A.
Molecular consequence: intron variant.
Genome position (GRCh38, 1-based): chr18:23,949,758, G>A. VCF-style: chr18-23949758-G-A. GRCh37 (hg19) VCF-style: chr18-21529722-G-A.
Other names: c.9184-7G>A (NM_001127717.4); c.4525-7G>A (NM_000227.6); c.4357-7G>A (NM_001127718.4).
Identifiers: ClinVar variation 255580 (VCV000255580.24), dbSNP rs2241643, ClinGen allele CA8917179.
Genomic context (GRCh38, chr18:23,949,758, plus strand): 5'-GCCTTGGCTACCCATGCCTTTCTTGGAGGTGTAGGTAATGAGCTTTTTCTTTTCTGCTTG[G>A]TTGCAGAGCCTCCCCACAAACAGCTTTGTGGGATGCCTGAAGAACTTTCAGCTGGATTCA-3'